The following is an entry in ClinVar:

ClinVar aggregate classification (germline): Likely pathogenic. Review status: criteria provided, multiple submitters, no conflicts (2 of 4 stars). 2 submissions from 2 submitters: Likely pathogenic (2). Last evaluated 2024-04-05.

Conditions:
Dyskeratosis congenita. Identifiers: Orphanet 1775, MedGen C0265965, MONDO:0015780.
Dyskeratosis congenita, autosomal recessive 5 (DKCB5). Identifiers: MedGen C3554656, MONDO:0014076, OMIM 615190.

Submissions (2):

Natera, Inc.
Classification: Likely pathogenic for Dyskeratosis congenita. Last evaluated: 2024-04-05. Review status: criteria provided, single submitter. Criteria: Natera Variant Classification Schema (03/2026). Collection method: clinical testing. Allele origin: germline.
Comment: The c.2752delG variant in RTEL1 is a frameshift variant predicted to shift the reading frame beginning at codon 918 and leads to a stop codon 10 codons downstream. This variant is expected to result in nonsense mediated decay, truncation, or a dysfunctional protein product. This variant is rare in the general population with a frequency below the threshold expected for the associated phenotype(s). Given the available evidence, this variant is classified as Likely Pathogenic.

Baylor Genetics
Classification: Likely pathogenic for Dyskeratosis congenita, autosomal recessive 5. Last evaluated: 2023-02-12. Review status: criteria provided, single submitter. Criteria: ACMG Guidelines, 2015. Collection method: clinical testing. Allele origin: unknown.

NM_001283009.2(RTEL1):c.2680del (p.Asp894fs)

Genes: RTEL1-TNFRSF6B (RTEL1-TNFRSF6B readthrough (NMD candidate); plus strand), RTEL1 (regulator of telomere elongation helicase 1; plus strand). Cytogenetic location: 20q13.33.
Variant type: Deletion.
Coding change: c.2680del on transcript NM_001283009.2 (MANE Select); coding-DNA position 2680, one base deleted (G; older notation c.2680delG).
Protein change: p.Asp894fs; shifts the reading frame from aspartic acid 894.
Molecular consequence: frameshift variant. On other transcripts: non-coding transcript variant (1).
Genome position (GRCh38, 1-based): chr20:63,692,832, G deleted; the last of 2 consecutive G bases (chr20:63,692,831-63,692,832); deleting either gives the same sequence. VCF-style (leftmost placement, unchanged base first): chr20-63692830-CG-C. GRCh37 (hg19) VCF-style: chr20-62324183-CG-C.
Other names: c.2011del, p.Asp671fs (NM_001283010.1); c.2680del, p.Asp894fs (NM_016434.4); c.2752del, p.Asp918fs (NM_032957.5); c.2752delG (NM_032957.4); short protein forms D671fs, D894fs, D918fs.
Identifiers: ClinVar variation 2678481 (VCV002678481.2), dbSNP rs2517164767, ClinGen allele CA2695201418.
Genomic context (GRCh38, chr20:63,692,830, plus strand): 5'-TGGCCCTGATGGAGCCTCGGGCCTGTGTCCTGCAGGAGGAGCCCGTGGCTGGTGCACAGA[CG>C]GACAGGGCCAAGCTCTTCATGGTGGCCGTGAAGCAGGAGTTGAGCCAAGCCAACTTTGCC-3'